The following is an entry in ClinVar:

ClinVar aggregate classification (germline): Benign/Likely benign. Review status: criteria provided, multiple submitters, no conflicts (2 of 4 stars). 5 submissions from 5 submitters: Benign (3); Likely benign (2). Last evaluated 2026-06-01.

Conditions:
Blepharophimosis - intellectual disability syndrome, SBBYS type (SBBYSS). Also called: SBBYSS syndrome; Ohdo syndrome, SBBYS variant; Say-Barber-Biesecker-Young-Simpson variant of Ohdo Syndrome; Say-Barber-Biesecker Variant of Ohdo Syndrome; Say-Barber-Biesecker-Young-Simpson syndrome; Say-Barber-Biesecker variant of Ohdo syndrome (SBBYSS). Identifiers: Orphanet 3047, MedGen C1863557, MONDO:0011365, OMIM 603736.
Genitopatellar syndrome (GTPTS). Also called: Genitopatellar syndrome (GPS); ABSENT PATELLAE, SCROTAL HYPOPLASIA, RENAL ANOMALIES, FACIAL DYSMORPHISM, AND MENTAL RETARDATION. Identifiers: Orphanet 85201, MedGen C1853566, MONDO:0011640, OMIM 606170.

Allele frequency attached by ClinVar (database versions not stated): gnomAD 0.00054 and 0.00107; TOPMed 0.00081; ESP Exome Variant Server 0.00092; gnomAD exomes 0.00134 and 0.00239; ExAC 0.00274; 1000 Genomes Project 0.00439; 1000 Genomes Project 30x 0.00468.

Submissions (5):

CeGaT Center for Human Genetics Tuebingen
Classification: Benign. Last evaluated: 2026-06-01. Review status: criteria provided, single submitter. Criteria: CeGaT Center For Human Genetics Tuebingen Variant Classification Criteria Version 2. Collection method: clinical testing. Allele origin: germline. Affected: yes. Observed: 6 variant alleles.
Comment: KAT6B: BS1, BS2

Labcorp Genetics (formerly Invitae), Labcorp
Classification: Benign for Genitopatellar syndrome. Last evaluated: 2026-01-12. Review status: criteria provided, single submitter. Criteria: Invitae Variant Classification Sherloc (09022015). Collection method: clinical testing. Allele origin: germline.

GeneDx
Classification: Likely benign. Last evaluated: 2021-03-27. Review status: criteria provided, single submitter. Criteria: GeneDx Variant Classification Process June 2021. Collection method: clinical testing. Allele origin: germline. Affected: yes.

Centre for Mendelian Genomics, University Medical Centre Ljubljana
Classification: Benign for Blepharophimosis - intellectual disability syndrome, SBBYS type. Last evaluated: 2019-04-09. Review status: criteria provided, single submitter. Criteria: ACMG Guidelines, 2015. Collection method: clinical testing. Allele origin: unknown. Affected: yes.
Comment: This variant was classified as: Benign. The following ACMG criteria were applied in classifying this variant: BS1,BS2,BP6.

Breakthrough Genomics
Classification: Likely benign. Review status: criteria provided, single submitter. Criteria: ACMG Guidelines, 2015. Collection method: not provided. Allele origin: germline. Inheritance: Autosomal dominant inheritance. Affected: yes.

NM_012330.4(KAT6B):c.1663G>A (p.Gly555Arg)

Gene: KAT6B (lysine acetyltransferase 6B; plus strand). Cytogenetic location: 10q22.2.
Variant type: single nucleotide variant.
Coding change: c.1663G>A on transcript NM_012330.4 (MANE Select); coding-DNA position 1663, G replaced by A.
Protein change: p.Gly555Arg; replaces glycine 555 with arginine.
Molecular consequence: missense variant. On other transcripts: intron variant (13).
Genome position (GRCh38, 1-based): chr10:74,976,000, G>A. VCF-style: chr10-74976000-G-A. GRCh37 (hg19) VCF-style: chr10-76735758-G-A.
Other names: c.1663G>A, p.Gly555Arg (NM_001370136.1, NM_001370137.1); c.1117+546G>A (NM_001370139.1, NM_001370140.1, NM_001370141.1 and 3 more transcripts); c.1444+219G>A (NM_001370138.1, NM_001256468.2); c.846+6225G>A (NM_001370133.1); c.193-3224G>A (NM_001370134.1); c.929-1316G>A (NM_001370143.1, NM_001370144.1); c.193-13019G>A (NM_001370135.1); short protein forms G555R.
Identifiers: ClinVar variation 300867 (VCV000300867.41), dbSNP rs146395020, ClinGen allele CA5564451.